The following is an entry in ClinVar:

ClinVar aggregate classification (germline): Uncertain significance. Review status: criteria provided, multiple submitters, no conflicts (2 of 4 stars). 2 submissions from 2 submitters: Uncertain significance (2). Last evaluated 2023-03-09.

Conditions:
Cardiovascular phenotype. Identifiers: MedGen CN230736.
Familial isolated arrhythmogenic right ventricular dysplasia. Identifiers: Orphanet 217656, MedGen C4274968, MONDO:0016342.

Submissions (2):

All of Us Research Program, National Institutes of Health
Classification: Uncertain significance for Familial isolated arrhythmogenic right ventricular dysplasia. Last evaluated: 2023-03-09. Review status: criteria provided, single submitter. Criteria: ACMG Guidelines, 2015. Collection method: clinical testing. Allele origin: germline. Inheritance: Autosomal dominant inheritance. Observed: 1 variant allele, 1 heterozygote.
Comment: This missense variant replaces proline with serine at codon 607 of the DSC2 protein. Computational prediction suggests that this variant may not impact protein structure and function (internally defined REVEL score threshold <= 0.5, PMID: 27666373). To our knowledge, functional studies have not been reported for this variant. This variant has not been reported in individuals affected with DSC2-related disorders in the literature. This variant has not been identified in the general population by the Genome Aggregation Database (gnomAD). The available evidence is insufficient to determine the role of this variant in disease conclusively. Therefore, this variant is classified as a Variant of Uncertain Significance.

This study involves interpretation of variants in research participants for the purpose of population health screening. Participant phenotype was not available at the time of variant classification. Additional details can be found in publication PMID: 35346344, PMCID: PMC8962531

Ambry Genetics
Classification: Uncertain significance for Cardiovascular phenotype. Last evaluated: 2022-01-02. Review status: criteria provided, single submitter. Criteria: Ambry Variant Classification Scheme 2023. Collection method: clinical testing. Allele origin: germline.
Comment: The p.P607S variant (also known as c.1819C>T), located in coding exon 12 of the DSC2 gene, results from a C to T substitution at nucleotide position 1819. The proline at codon 607 is replaced by serine, an amino acid with similar properties. This amino acid position is conserved. In addition, the in silico prediction for this alteration is inconclusive. Since supporting evidence is limited at this time, the clinical significance of this alteration remains unclear.

NM_024422.6(DSC2):c.1819C>T (p.Pro607Ser)

Gene: DSC2 (desmocollin 2; minus strand). Cytogenetic location: 18q12.1.
Variant type: single nucleotide variant.
Coding change: c.1819C>T on transcript NM_024422.6 (MANE Select); coding-DNA position 1819, C replaced by T.
Protein change: p.Pro607Ser; replaces proline 607 with serine.
Molecular consequence: missense variant.
Genome position (GRCh38, 1-based): chr18:31,074,752, G>A on the plus strand (C>T on the coding strand, the complement: DSC2 is on the minus strand). VCF-style: chr18-31074752-G-A. GRCh37 (hg19) VCF-style: chr18-28654718-G-A.
Other names: c.1390C>T, p.Pro464Ser (NM_001406506.1, NM_001406507.1); c.1819C>T, p.Pro607Ser (NM_004949.5); short protein forms P464S, P607S.
Identifiers: ClinVar variation 1780718 (VCV001780718.3), dbSNP rs2510942744, ClinGen allele CA402113944.